The following is an entry in ClinVar:

NM_000051.4(ATM):c.5794T>A (p.Phe1932Ile)

Genes: ATM (ATM serine/threonine kinase; plus strand), C11orf65 (chromosome 11 open reading frame 65; minus strand). Cytogenetic location: 11q22.3.
Variant type: single nucleotide variant.
Coding change: c.5794T>A on transcript NM_000051.4 (MANE Select); coding-DNA position 5794, T replaced by A.
Protein change: p.Phe1932Ile; replaces phenylalanine 1932 with isoleucine.
Molecular consequence: missense variant. On other transcripts: intron variant (2).
Genome position (GRCh38, 1-based): chr11:108,310,191, T>A. VCF-style: chr11-108310191-T-A. GRCh37 (hg19) VCF-style: chr11-108180918-T-A.
Other names: c.5794T>A, p.Phe1932Ile (NM_001351834.2); c.641-1120A>T (NM_001330368.2); c.*39-1120A>T (NM_001351110.2); short protein forms F1932I.
Identifiers: ClinVar variation 1942612 (VCV001942612.5), dbSNP rs2084025775, ClinGen allele CA382548337.

ClinVar aggregate classification (germline): Uncertain significance. Review status: criteria provided, multiple submitters, no conflicts (2 of 4 stars). 2 submissions from 2 submitters: Uncertain significance (2). Last evaluated 2024-06-04.

Conditions:
Ataxia-telangiectasia syndrome (AT). Also called: Ataxia-telangiectasia, complementation group D; AT, COMPLEMENTATION GROUP C; ATAXIA-TELANGIECTASIA, COMPLEMENTATION GROUP A; ATAXIA-TELANGIECTASIA, FRESNO VARIANT; Ataxia-telangiectasia, complementation group E; LOUIS-BAR SYNDROME. Identifiers: Orphanet 100, MedGen C0004135, MONDO:0008840, OMIM 208900.

Submissions (2):

Labcorp Genetics (formerly Invitae), Labcorp
Classification: Uncertain significance for Ataxia-telangiectasia syndrome. Last evaluated: 2024-06-04. Review status: criteria provided, single submitter. Criteria: Invitae Variant Classification Sherloc (09022015). Collection method: clinical testing. Allele origin: germline.
Comment: This sequence change replaces phenylalanine, which is neutral and non-polar, with isoleucine, which is neutral and non-polar, at codon 1932 of the ATM protein (p.Phe1932Ile). This variant is not present in population databases (gnomAD no frequency). This missense change has been observed in individual(s) with breast cancer (PMID: 34326862). ClinVar contains an entry for this variant (Variation ID: 1942612). An algorithm developed to predict the effect of missense changes on protein structure and function (PolyPhen-2) suggests that this variant is likely to be disruptive. In summary, the available evidence is currently insufficient to determine the role of this variant in disease. Therefore, it has been classified as a Variant of Uncertain Significance.

Blueprint Genetics
Classification: Uncertain significance. Last evaluated: 2021-08-18. Review status: criteria provided, single submitter. Criteria: ACMG Guidelines, 2015. Collection method: clinical testing. Allele origin: germline.

Literature cited by the submitters: PubMed 34326862 (cited by Labcorp Genetics (formerly Invitae), Labcorp).